The following is an entry in ClinVar:

NM_001135649.3(FOXI3):c.67_72dup (p.Thr23_Ala24dup)

Gene: FOXI3 (forkhead box I3; minus strand). Cytogenetic location: 2p11.2.
Variant type: Duplication.
Coding change: c.67_72dup on transcript NM_001135649.3 (MANE Select); coding-DNA positions 67 to 72, 6 bases duplicated (ACCGCC; older notation c.67_72dupACCGCC).
Protein change: p.Thr23_Ala24dup.
Molecular consequence: inframe insertion.
Genome position (GRCh38, 1-based): chr2:88,452,464-88,452,469, GGCGGT duplicated on the plus strand (ACCGCC on the coding strand, the reverse complement: FOXI3 is on the minus strand); duplicating any 6 consecutive bases within chr2:88,452,464-88,452,474 gives the same sequence; the c. name uses the placement nearest the transcript's 3' end. VCF-style (leftmost placement, unchanged base first): chr2-88452463-C-CGGCGGT. GRCh37 (hg19) VCF-style: chr2-88751981-C-CGGCGGT.
Identifiers: ClinVar variation 1004431 (VCV001004431.8), dbSNP rs1325399701, ClinGen allele CA894287719.

ClinVar aggregate classification (germline): Uncertain significance (1 of 4 stars; one submission).

Submission:

Labcorp Genetics (formerly Invitae), Labcorp
Classification: Uncertain significance. Last evaluated: 2024-07-10. Review status: criteria provided, single submitter. Criteria: Invitae Variant Classification Sherloc (09022015). Collection method: clinical testing. Allele origin: germline.
Comment: This variant, c.67_72dup, results in the insertion of 2 amino acid(s) of the FOXI3 protein (p.Thr23_Ala24dup), but otherwise preserves the integrity of the reading frame. The frequency data for this variant in the population databases is considered unreliable, as metrics indicate insufficient coverage at this position in the gnomAD database. This variant has not been reported in the literature in individuals affected with FOXI3-related conditions. ClinVar contains an entry for this variant (Variation ID: 1004431). Experimental studies and prediction algorithms are not available or were not evaluated, and the functional significance of this variant is currently unknown. In summary, the available evidence is currently insufficient to determine the role of this variant in disease. Therefore, it has been classified as a Variant of Uncertain Significance.